The following is an entry in ClinVar:

NM_024408.4(NOTCH2):c.1450C>T (p.Pro484Ser)

Gene: NOTCH2 (notch receptor 2; minus strand). Cytogenetic location: 1p12.
Variant type: single nucleotide variant.
Coding change: c.1450C>T on transcript NM_024408.4 (MANE Select); coding-DNA position 1450, C replaced by T.
Protein change: p.Pro484Ser; replaces proline 484 with serine.
Molecular consequence: missense variant.
Genome position (GRCh38, 1-based): chr1:119,967,436, G>A on the plus strand (C>T on the coding strand, the complement: NOTCH2 is on the minus strand). VCF-style: chr1-119967436-G-A. GRCh37 (hg19) VCF-style: chr1-120510059-G-A.
Other names: c.1450C>T, p.Pro484Ser (NM_001200001.2); short protein forms P484S.
Identifiers: ClinVar variation 3376995 (VCV003376995.1).
Genomic context (GRCh38, chr1:119,967,436, plus strand): 5'-GAGAAGTTCAGAACAGTCCCTCCTCTCTAGACCCAACATGCTGATGGGCCCATTTACCTG[G>A]CATGCACAGACATGTGAAGCCTCCAATCTTATCCAGACAGGTAGCATCATTCTGGCAGGG-3'
Protein context (NP_077719.2, residues 474-494): KIGGFTCLCM[Pro484Ser]GFKGVHCELE

ClinVar aggregate classification (germline): Uncertain significance (1 of 4 stars; one submission).

Conditions:
Alagille syndrome due to a NOTCH2 point mutation. Also called: Alagille syndrome 2. Identifiers: Orphanet 261629, Orphanet 52, MedGen C1857761, MONDO:0012439, OMIM 610205.

gnomAD v4.1: 1 of 1,613,904 alleles (0.000062%); no homozygotes.

Submission:

Victorian Clinical Genetics Services, Murdoch Childrens Research Institute
Classification: Uncertain significance for Alagille syndrome due to a NOTCH2 point mutation. Last evaluated: 2024-10-11. Review status: criteria provided, single submitter. Criteria: ACMG Guidelines, 2015. Collection method: clinical testing. Allele origin: germline. Inheritance: Autosomal dominant inheritance. Affected: yes.
Comment: Based on the classification scheme VCGS_Germline_v1.3.5, this variant is classified as VUS-3B. Following criteria are met: 0103 - Loss of function and gain of function are known mechanisms of disease in this gene and are associated with Alagille syndrome 2 (MIM#610205), and Hajdu-Cheney syndrome (MIM#102500), respectively. Missense variants and those predicted to result in nonsense-mediated decay, have been associated with Alagille syndrome 2, whereas truncating variants in the last exon have been known to cause Hajdu-Cheney syndrome (OMIM, PMID: 28941602). (I) 0107 - This gene is associated with autosomal dominant disease. (I) 0115 - Variants in this gene are known to have variable expressivity (PMID:22209782). (I) 0200 - Variant is predicted to result in a missense amino acid change from proline to serine. (I) 0251 - This variant is heterozygous. (I) 0302 - Variant is present in gnomAD (v4) <0.001 for a dominant condition (1 heterozygote, 0 homozygotes). (SP) 0309 - An alternative amino acid change at the same position has been observed in gnomAD (v4; 1 heterozygote, 0 homozygotes). (I) 0502 - Missense variant with conflicting in silico predictions and uninformative conservation. (I) 0600 - Variant is located in the annotated EGF-like domain (DECIPHER). (I) 0705 - No comparable missense variants have previous evidence for pathogenicity. (I) 0807 - This variant has no previous evidence of pathogenicity. (I) 0905 - No published segregation evidence has been identified for this variant. (I) 1007 - No published functional evidence has been identified for this variant. (I) Legend: (SP) - Supporting pathogenic, (I) - Information, (SB) - Supporting benign

Literature cited by the submitters: PubMed 22209782; PubMed 28941602.